The following is an entry in ClinVar:

NM_001042472.3(ABHD12):c.895T>C (p.Trp299Arg)

Gene: ABHD12 (abhydrolase domain containing 12, lysophospholipase; minus strand). Cytogenetic location: 20p11.21.
Variant type: single nucleotide variant.
Coding change: c.895T>C on transcript NM_001042472.3 (MANE Select); coding-DNA position 895, T replaced by C.
Protein change: p.Trp299Arg; replaces tryptophan 299 with arginine.
Molecular consequence: missense variant.
Genome position (GRCh38, 1-based): chr20:25,306,888, A>G on the plus strand (T>C on the coding strand, the complement: ABHD12 is on the minus strand). VCF-style: chr20-25306888-A-G. GRCh37 (hg19) VCF-style: chr20-25287524-A-G.
Other names: c.895T>C, p.Trp299Arg (NM_015600.5); short protein forms W299R.
Identifiers: ClinVar variation 1034811 (VCV001034811.8), dbSNP rs1191981776, ClinGen allele CA408455722.

ClinVar aggregate classification (germline): Uncertain significance (1 of 4 stars; one submission).

Allele frequency attached by ClinVar (database versions not stated): TOPMed below 0.00001.

Submission:

Labcorp Genetics (formerly Invitae), Labcorp
Classification: Uncertain significance. Last evaluated: 2022-02-05. Review status: criteria provided, single submitter. Criteria: Invitae Variant Classification Sherloc (09022015). Collection method: clinical testing. Allele origin: germline.
Comment: In summary, the available evidence is currently insufficient to determine the role of this variant in disease. Therefore, it has been classified as a Variant of Uncertain Significance. Algorithms developed to predict the effect of missense changes on protein structure and function are either unavailable or do not agree on the potential impact of this missense change (SIFT: "Tolerated"; PolyPhen-2: "Probably Damaging"; Align-GVGD: "Class C0"). ClinVar contains an entry for this variant (Variation ID: 1034811). This variant has not been reported in the literature in individuals affected with ABHD12-related conditions. This variant is not present in population databases (gnomAD no frequency). This sequence change replaces tryptophan, which is neutral and slightly polar, with arginine, which is basic and polar, at codon 299 of the ABHD12 protein (p.Trp299Arg).